The following is an entry in ClinVar:

NM_015047.3(EMC1):c.221-8T>A

Gene: EMC1 (ER membrane protein complex subunit 1; minus strand). Cytogenetic location: 1p36.13.
Variant type: single nucleotide variant.
Coding change: c.221-8T>A on transcript NM_015047.3 (MANE Select); 8 bases into the intron before coding-DNA position 221, T replaced by A.
Molecular consequence: intron variant.
Genome position (GRCh38, 1-based): chr1:19,244,023, A>T on the plus strand (T>A on the coding strand, the complement: EMC1 is on the minus strand). VCF-style: chr1-19244023-A-T. GRCh37 (hg19) VCF-style: chr1-19570517-A-T.
Other names: c.221-316T>A (NM_001271429.2); c.221-8T>A (NM_001271427.2, NM_001375821.1, NM_001271428.2 and 1 more transcripts).
Identifiers: ClinVar variation 1044273 (VCV001044273.8), dbSNP rs2093620421, ClinGen allele CA1157058043.

ClinVar aggregate classification (germline): Uncertain significance (1 of 4 stars; one submission).

Allele frequency attached by ClinVar (database versions not stated): gnomAD exomes below 0.00001.
gnomAD v4.1: 1 of 1,613,980 alleles (0.000062%); highest among the groups gnomAD compares: Non-Finnish European, 0.000085%; no homozygotes.

Submission:

Labcorp Genetics (formerly Invitae), Labcorp
Classification: Uncertain significance. Last evaluated: 2025-09-15. Review status: criteria provided, single submitter. Criteria: Invitae Variant Classification Sherloc (09022015). Collection method: clinical testing. Allele origin: germline.
Comment: This sequence change falls in intron 2 of the EMC1 gene. It does not directly change the encoded amino acid sequence of the EMC1 protein. This variant is not present in population databases (gnomAD no frequency). This variant has not been reported in the literature in individuals affected with EMC1-related conditions. ClinVar contains an entry for this variant (Variation ID: 1044273). Algorithms developed to predict the effect of sequence changes on RNA splicing suggest that this variant may disrupt the consensus splice site. In summary, the available evidence is currently insufficient to determine the role of this variant in disease. Therefore, it has been classified as a Variant of Uncertain Significance.